The following is an entry in ClinVar:

ClinVar aggregate classification (germline): Uncertain significance (1 of 4 stars; one submission).

Submission:

Labcorp Genetics (formerly Invitae), Labcorp
Classification: Uncertain significance. Last evaluated: 2024-04-25. Review status: criteria provided, single submitter. Criteria: Invitae Variant Classification Sherloc (09022015). Collection method: clinical testing. Allele origin: germline.
Comment: This sequence change replaces leucine, which is neutral and non-polar, with glutamine, which is neutral and polar, at codon 378 of the EIF2AK1 protein (p.Leu378Gln). This variant is not present in population databases (gnomAD no frequency). This variant has not been reported in the literature in individuals affected with EIF2AK1-related conditions. An algorithm developed to predict the effect of missense changes on protein structure and function (PolyPhen-2) suggests that this variant is likely to be disruptive. In summary, the available evidence is currently insufficient to determine the role of this variant in disease. Therefore, it has been classified as a Variant of Uncertain Significance.

NM_014413.4(EIF2AK1):c.1133T>A (p.Leu378Gln)

Gene: EIF2AK1 (eukaryotic translation initiation factor 2 alpha kinase 1; minus strand). Cytogenetic location: 7p22.1.
Variant type: single nucleotide variant.
Coding change: c.1133T>A on transcript NM_014413.4 (MANE Select); coding-DNA position 1133, T replaced by A.
Protein change: p.Leu378Gln; replaces leucine 378 with glutamine.
Molecular consequence: missense variant.
Genome position (GRCh38, 1-based): chr7:6,038,658, A>T on the plus strand (T>A on the coding strand, the complement: EIF2AK1 is on the minus strand). VCF-style: chr7-6038658-A-T. GRCh37 (hg19) VCF-style: chr7-6078289-A-T.
Other names: c.1130T>A, p.Leu377Gln (NM_001134335.2); short protein forms L378Q, L377Q.
Identifiers: ClinVar variation 3671819 (VCV003671819.2).